The following is an entry in ClinVar:

ClinVar aggregate classification (germline): Pathogenic (1 of 4 stars; one submission).

Conditions:
Microcephaly 1, primary, autosomal recessive (MCPH1). Also called: PREMATURE CHROMOSOME CONDENSATION SYNDROME; PCC SYNDROME; PREMATURE CHROMOSOME CONDENSATION WITH MICROCEPHALY AND MENTAL RETARDATION. Identifiers: Orphanet 2512, MedGen C1855081, MONDO:0009617, OMIM 251200.

gnomAD v4.1: 3 of 1,613,806 alleles (0.00019%); highest among the groups gnomAD compares: South Asian, 0.0033%; no homozygotes.

Submission:

Cologne Center for Genomics, Faculty of Medicine, University of Cologne
Classification: Pathogenic for Microcephaly 1, primary, autosomal recessive. Last evaluated: 2025-11-26. Review status: criteria provided, single submitter. Criteria: ACMG Guidelines, 2015. Collection method: research. Allele origin: germline. Inheritance: Autosomal recessive inheritance. Affected: yes. Observed: 1 homozygote.
Comment: The variant is predicted to be deleterious by multiple in-silico tools, including MutationTaster, PolyPhen-2, REVEL, SIFT, PROVEAN, LRT, PhD-SNP, SNAP, and Meta-SNP; however, it remains classified as a VUS according to ACMG guidelines (PMID:25741868).

NM_018451.5(CPAP):c.3947C>A (p.Thr1316Lys)

Genes: CPAP (centrosome assembly and centriole elongation protein; minus strand), RNF17 (ring finger protein 17; plus strand). Cytogenetic location: 13q12.12.
Variant type: single nucleotide variant.
Coding change: c.3947C>A on transcript NM_018451.5 (MANE Select); coding-DNA position 3947, C replaced by A.
Protein change: p.Thr1316Lys; replaces threonine 1316 with lysine.
Molecular consequence: missense variant. On other transcripts: non-coding transcript variant (2).
Genome position (GRCh38, 1-based): chr13:24,883,247, G>T on the plus strand (C>A on the coding strand, the complement: CPAP is on the minus strand). VCF-style: chr13-24883247-G-T. GRCh37 (hg19) VCF-style: chr13-25457385-G-T.
Other names: CENPJ; short protein forms T1316K.
Identifiers: ClinVar variation 4533324 (VCV004533324.1).